The following is an entry in ClinVar:

ClinVar aggregate classification (germline): Uncertain significance. Review status: criteria provided, multiple submitters, no conflicts (2 of 4 stars). 3 submissions from 3 submitters: Uncertain significance (3). Last evaluated 2025-01-15.

Conditions:
WFS1-related disorder. Identifiers: MedGen CN379391, MONDO:0700293.

Allele frequency attached by ClinVar (database versions not stated): ExAC 0.00002; gnomAD exomes 0.00002 and 0.00003.

Submissions (3):

PreventionGenetics, part of Exact Sciences
Classification: Uncertain significance for WFS1-related condition. Last evaluated: 2025-01-15. Review status: criteria provided, single submitter. Criteria: ACMG Guidelines, 2015. Collection method: clinical testing. Allele origin: germline.
Comment: The WFS1 c.1552A>G variant is predicted to result in the amino acid substitution p.Met518Val. This variant has been reported with a second WFS1 variant in an individual with Wolfram syndrome (Matsunaga et al. 2014. PubMed ID: 25211237) and as a single heterozygous variant in an individual clinically suspected to have maturity-onset diabetes of the young (Wu et al. 2024. PubMed ID: 39221226). This variant is reported in 0.0035% of alleles in individuals of European (non-Finnish) descent in gnomAD. Other missense variants affecting the same amino acid (p.Met518Lys, p.Met518Thr) have also been reported in individuals suspected to have Wolfram syndrome (La Morgia et al. 2020. PubMed ID: 32179840; Zhang et al. 2022. PubMed ID: 36098976). At this time, the clinical significance of this variant is uncertain due to the absence of conclusive functional and genetic evidence.

GeneDx
Classification: Uncertain significance. Last evaluated: 2020-10-13. Review status: criteria provided, single submitter. Criteria: GeneDx Variant Classification Process June 2021. Collection method: clinical testing. Allele origin: germline. Affected: yes.
Comment: Previously reported as heterozygous in an individual with diabetes mellitus, optic atrophy, and brain atrophy who was also heterozygous for a second variant in WFS1 (Matsunaga et al., 2014); Not observed at a significant frequency in large population cohorts (Lek et al., 2016); In silico analysis supports that this missense variant does not alter protein structure/function; This variant is associated with the following publications: (PMID: 25211237)

Laboratory for Molecular Medicine, Mass General Brigham Personalized Medicine
Classification: Uncertain significance. Last evaluated: 2015-04-17. Review status: criteria provided, single submitter. Criteria: LMM Criteria. Collection method: clinical testing. Allele origin: germline. Observed: 2 variant alleles.
Comment: The p.Met518Val variant has also be en identified in 2/66566 of European chromosomes by the Exome Aggregation Consor tium (ExAC); though this frequency is not high e nough to rule out a pathogenic role. However, it should be noted that another va riant at this amino acid residue (p.Met518Ile) has been identified in 0.6% (63/1 0382) of African American chromosomes by the Exome Aggregation Consortium, sugge sting that variation at this position may be tolerated (ExAC; dbSNP rs138232538). In addition, the p.Leu432Val variant identifie d in the affected individual in Matasunaga et al. (2014) has been also identifie d in 358/66730 (0.5%) of European chromosomes by the Exome Aggregation Consortiu m (ExAC; dbSNP rs35031397) suggesting that this variant is benign and, therefore, making it unlikely that these variants are rel ated to the features seen in that individual. Computational prediction tools and conservation analysis of the p.Met518Val variant do not provide strong support for or against an impact to the protein. In summary, the clinical significance o f the p.Met518Val variant is uncertain.

Literature cited by the submitters: PubMed 25211237 (cited by Laboratory for Molecular Medicine, Mass General Brigham Personalized Medicine).

NM_006005.3(WFS1):c.1552A>G (p.Met518Val)

Gene: WFS1 (wolframin ER transmembrane glycoprotein; plus strand). Cytogenetic location: 4p16.1.
Variant type: single nucleotide variant.
Coding change: c.1552A>G on transcript NM_006005.3 (MANE Select); coding-DNA position 1552, A replaced by G.
Protein change: p.Met518Val; replaces methionine 518 with valine.
Molecular consequence: missense variant.
Genome position (GRCh38, 1-based): chr4:6,301,347, A>G. VCF-style: chr4-6301347-A-G. GRCh37 (hg19) VCF-style: chr4-6303074-A-G.
Other names: c.1552A>G, p.Met518Val (NM_001145853.1); short protein forms M518V.
Identifiers: ClinVar variation 229637 (VCV000229637.9), dbSNP rs747678800, ClinGen allele CA2839401.